The following is an entry in ClinVar:

NM_033100.4(CDHR1):c.1868A>G (p.Asn623Ser)

Gene: CDHR1 (cadherin related family member 1; plus strand). Cytogenetic location: 10q23.1.
Variant type: single nucleotide variant.
Coding change: c.1868A>G on transcript NM_033100.4 (MANE Select); coding-DNA position 1868, A replaced by G.
Protein change: p.Asn623Ser; replaces asparagine 623 with serine.
Molecular consequence: missense variant.
Genome position (GRCh38, 1-based): chr10:84,213,176, A>G. VCF-style: chr10-84213176-A-G. GRCh37 (hg19) VCF-style: chr10-85972932-A-G.
Other names: c.1868A>G, p.Asn623Ser (NM_001171971.3); short protein forms N623S.
Identifiers: ClinVar variation 252762 (VCV000252762.63), dbSNP rs137876961, ClinGen allele CA5580079.

ClinVar aggregate classification (germline): Conflicting classifications of pathogenicity. Review status: criteria provided, conflicting classifications (1 of 4 stars). 7 submissions from 7 submitters: Uncertain significance (1); Benign (1); Likely benign (4). 1 of the submissions does not count toward it. Last evaluated 2026-02-02.

Conditions:
Retinal dystrophy. Also called: Inherited retinal dystrophy. Identifiers: Orphanet 71862, MedGen C0854723, MeSH D058499, MONDO:0019118, HP:0000556.
Cone-rod dystrophy 15 (CORD15). Identifiers: MedGen C3150912, MONDO:0013348, OMIM 613660.

Allele frequency attached by ClinVar (database versions not stated): 1000 Genomes Project 30x 0.00172; 1000 Genomes Project 0.00180; ESP Exome Variant Server 0.00346; TOPMed 0.00355; gnomAD exomes 0.00377; gnomAD 0.00386 and 0.00404; ExAC 0.00409.
gnomAD v4.1: 8,853 of 1,614,214 alleles (0.55%); highest among the groups gnomAD compares: Non-Finnish European, 0.65%; 29 homozygotes.

Submissions (7):

Labcorp Genetics (formerly Invitae), Labcorp
Classification: Likely benign. Last evaluated: 2026-02-02. Review status: criteria provided, single submitter. Criteria: Invitae Variant Classification Sherloc (09022015). Collection method: clinical testing. Allele origin: germline.

Blueprint Genetics
Classification: Likely benign. Last evaluated: 2024-11-25. Review status: criteria provided, single submitter. Criteria: ACMG Guidelines, 2015. Collection method: clinical testing. Allele origin: germline.

CeGaT Center for Human Genetics Tuebingen
Classification: Likely benign. Last evaluated: 2024-10-01. Review status: criteria provided, single submitter. Criteria: CeGaT Center For Human Genetics Tuebingen Variant Classification Criteria Version 2. Collection method: clinical testing. Allele origin: germline. Affected: yes. Observed: 4 variant alleles.
Comment: CDHR1: BP4, BS2

Illumina Laboratory Services, Illumina
Classification: Uncertain significance for Cone-rod dystrophy 15. Last evaluated: 2018-01-13. Review status: criteria provided, single submitter. Criteria: ICSL Variant Classification Criteria 13 December 2019. Collection method: clinical testing. Allele origin: germline.

Genomic Diagnostic Laboratory, Division of Genomic Diagnostics, Children's Hospital of Philadelphia
Classification: Likely benign. Last evaluated: 2015-10-01. Review status: criteria provided, single submitter. Criteria: DGD Variant Analysis Guidelines. Collection method: clinical testing. Allele origin: unknown.

Eurofins Ntd Llc (ga)
Classification: Benign. Last evaluated: 2015-08-07. Review status: criteria provided, single submitter. Criteria: EGL Classification Definitions 2015. Collection method: clinical testing. Allele origin: germline. Observed: 1 variant allele, 1 heterozygote.

Institute of Human Genetics, Univ. Regensburg, Univ. Regensburg
Classification: Uncertain significance for Retinal dystrophy. Last evaluated: 2020-01-01. Review status: no assertion criteria provided. Criteria: ACMG Guidelines, 2015. Collection method: clinical testing. Allele origin: germline. Affected: yes. Not counted in ClinVar's aggregate classification.